The following is an entry in ClinVar:

ClinVar aggregate classification (germline): Likely benign (1 of 4 stars; one submission).

gnomAD v4.1: 2 of 1,612,428 alleles (0.00012%); highest among the groups gnomAD compares: Non-Finnish European, 0.00017%; no homozygotes.

Submission:

CeGaT Center for Human Genetics Tuebingen
Classification: Likely benign. Last evaluated: 2026-04-01. Review status: criteria provided, single submitter. Criteria: CeGaT Center For Human Genetics Tuebingen Variant Classification Criteria Version 2. Collection method: clinical testing. Allele origin: germline. Affected: yes. Observed: 1 variant allele.
Comment: MED25: BP4, BP7

NM_030973.4(MED25):c.594A>T (p.Ala198=)

Gene: MED25 (mediator complex subunit 25; plus strand). Cytogenetic location: 19q13.33.
Variant type: single nucleotide variant.
Coding change: c.594A>T on transcript NM_030973.4 (MANE Select); coding-DNA position 594, A replaced by T.
Protein change: p.Ala198=; no amino-acid change (alanine 198 retained).
Molecular consequence: synonymous variant.
Genome position (GRCh38, 1-based): chr19:49,829,854, A>T. VCF-style: chr19-49829854-A-T. GRCh37 (hg19) VCF-style: chr19-50333111-A-T.
Other names: c.594A>T, p.Ala198= (NM_001378355.1).
Identifiers: ClinVar variation 4874629 (VCV004874629.2).